The following is an entry in ClinVar:

NM_000417.3(IL2RA):c.76G>A (p.Asp26Asn)

Gene: IL2RA (interleukin 2 receptor subunit alpha; minus strand). Cytogenetic location: 10p15.1.
Variant type: single nucleotide variant.
Coding change: c.76G>A on transcript NM_000417.3 (MANE Select); coding-DNA position 76, G replaced by A.
Protein change: p.Asp26Asn; replaces aspartic acid 26 with asparagine.
Molecular consequence: missense variant.
Genome position (GRCh38, 1-based): chr10:6,026,014, C>T on the plus strand (G>A on the coding strand, the complement: IL2RA is on the minus strand). VCF-style: chr10-6026014-C-T. GRCh37 (hg19) VCF-style: chr10-6067977-C-T.
Other names: c.76G>A, p.Asp26Asn (NM_001308242.2, NM_001308243.2); short protein forms D26N.
Identifiers: ClinVar variation 1019241 (VCV001019241.7), dbSNP rs55868253, ClinGen allele CA5397549.

ClinVar aggregate classification (germline): Uncertain significance. Review status: criteria provided, multiple submitters, no conflicts (2 of 4 stars). 2 submissions from 2 submitters: Uncertain significance (2). Last evaluated 2023-03-10.

Conditions:
Immunodeficiency due to CD25 deficiency. Also called: IMMUNODEFICIENCY 41 WITH LYMPHOPROLIFERATION AND AUTOIMMUNITY; IL2RA DEFICIENCY; CD25 DEFICIENCY. Identifiers: Orphanet 169100, MedGen C1853392, MONDO:0011664, OMIM 606367.

Allele frequency attached by ClinVar (database versions not stated): TOPMed 0.00006.
gnomAD v4.1: 60 of 1,612,982 alleles (0.0037%); highest among the groups gnomAD compares: Non-Finnish European, 0.0048%; no homozygotes.

Submissions (2):

Blueprint Genetics
Classification: Uncertain significance. Last evaluated: 2023-03-10. Review status: criteria provided, single submitter. Criteria: ACMG Guidelines, 2015. Collection method: clinical testing. Allele origin: germline.

Labcorp Genetics (formerly Invitae), Labcorp
Classification: Uncertain significance for Immunodeficiency due to CD25 deficiency. Last evaluated: 2022-08-23. Review status: criteria provided, single submitter. Criteria: Invitae Variant Classification Sherloc (09022015). Collection method: clinical testing. Allele origin: germline.
Comment: This sequence change replaces aspartic acid, which is acidic and polar, with asparagine, which is neutral and polar, at codon 26 of the IL2RA protein (p.Asp26Asn). This variant is present in population databases (rs55868253, gnomAD 0.01%). This variant has not been reported in the literature in individuals affected with IL2RA-related conditions. ClinVar contains an entry for this variant (Variation ID: 1019241). Algorithms developed to predict the effect of missense changes on protein structure and function are either unavailable or do not agree on the potential impact of this missense change (SIFT: "Tolerated"; PolyPhen-2: "Possibly Damaging"; Align-GVGD: "Class C0"). In summary, the available evidence is currently insufficient to determine the role of this variant in disease. Therefore, it has been classified as a Variant of Uncertain Significance.